The following is an entry in ClinVar:

NM_003737.4(DCHS1):c.1953A>T (p.Ser651=)

Gene: DCHS1 (dachsous cadherin-related 1; minus strand). Cytogenetic location: 11p15.4.
Variant type: single nucleotide variant.
Coding change: c.1953A>T on transcript NM_003737.4 (MANE Select); coding-DNA position 1953, A replaced by T.
Protein change: p.Ser651=; no amino-acid change (serine 651 retained).
Molecular consequence: synonymous variant.
Genome position (GRCh38, 1-based): chr11:6,634,151, T>A on the plus strand (A>T on the coding strand, the complement: DCHS1 is on the minus strand). VCF-style: chr11-6634151-T-A. GRCh37 (hg19) VCF-style: chr11-6655382-T-A.
Identifiers: ClinVar variation 3905948 (VCV003905948.10).
Genomic context (GRCh38, chr11:6,634,151, plus strand): 5'-CAACCTGCCCTTGGTCTACTGACTTACCCCATCCACAGCTGTCACTGTGAAGTCAAAGCT[T>A]GAGGGCCCCTGGTCACGGTCCAGGGTCCGGGTTGTGCACACATCACCGCTGTGGGCATCA-3'
Protein context (NP_003728.1, residues 641-661): TRTLDRDQGP[Ser651=]SFDFTVTAVD

ClinVar aggregate classification (germline): Likely benign (1 of 4 stars; one submission).

gnomAD v4.1: 2 of 1,609,012 alleles (0.00012%); highest among the groups gnomAD compares: Non-Finnish European, 0.00017%; no homozygotes.

Submission:

CeGaT Center for Human Genetics Tuebingen
Classification: Likely benign. Last evaluated: 2025-05-01. Review status: criteria provided, single submitter. Criteria: CeGaT Center For Human Genetics Tuebingen Variant Classification Criteria Version 2. Collection method: clinical testing. Allele origin: germline. Affected: yes. Observed: 1 variant allele.
Comment: DCHS1: BP4, BP7